The following is an entry in ClinVar:

ClinVar aggregate classification (germline): Uncertain significance (1 of 4 stars; one submission).

Conditions:
Duchenne muscular dystrophy (DMD). Also called: MUSCULAR DYSTROPHY, PSEUDOHYPERTROPHIC PROGRESSIVE, DUCHENNE TYPE; Duchenne Muscular Dystrophy (DMD). Identifiers: Orphanet 98896, MedGen C0013264, MONDO:0010679, OMIM 310200.

Submission:

3billion
Classification: Uncertain significance for Duchenne muscular dystrophy. Last evaluated: 2022-03-22. Review status: criteria provided, single submitter. Criteria: ACMG Guidelines, 2015. Collection method: clinical testing. Allele origin: germline. Affected: yes. Observed: 1 hemizygote.
Comment: The variant is not observed in the gnomAD v2.1.1 dataset. Therefore, this variant is classified as uncertain significance according to the recommendation of ACMG/AMP guideline.

NM_004006.3(DMD):c.9225-15del

Gene: DMD (dystrophin; minus strand). Cytogenetic location: Xp21.2.
Variant type: Deletion.
Coding change: c.9225-15del on transcript NM_004006.3 (MANE Select); 15 bases into the intron before coding-DNA position 9225, one base deleted (T; older notation c.9225-15delT).
Molecular consequence: intron variant.
Genome position (GRCh38, 1-based): chrX:31,261,031, A deleted on the plus strand (T on the coding strand, the reverse complement: DMD is on the minus strand). VCF-style (leftmost placement, unchanged base first): chrX-31261030-CA-C. GRCh37 (hg19) VCF-style: chrX-31279147-CA-C.
Other names: c.9201-15del (NM_000109.4); c.5202-15del (NM_004011.4); c.5193-15del (NM_004012.4); c.1845-15del (NM_004023.3, NM_004020.4, NM_004022.3 and 2 more transcripts); c.1038-15del (NM_004014.3); c.21-15del (NM_004018.3, NM_004017.3, NM_004016.3 and 2 more transcripts); c.9213-15del (NM_004009.3); c.8856-15del (NM_004010.3).
Identifiers: ClinVar variation 1526180 (VCV001526180.1), dbSNP rs2147649939, ClinGen allele CA2573158746.
Genomic context (GRCh38, chrX:31,261,030, plus strand): 5'-GCTCTGTCATTTTGGGATGGTCCCAGCAAGTTGTTTGAGTCTCGTGGCTAAAACACAAAA[CA>C]TAAAGAAAGACTTTAGCATTTACAATGAGTAGTCAAGAAAACAGGAAAAAAGAAAACAAC-3'